The following is an entry in ClinVar:

NM_001379200.1(TBX1):c.1156G>A (p.Gly386Ser)

Gene: TBX1 (T-box transcription factor 1; plus strand). Cytogenetic location: 22q11.21.
Variant type: single nucleotide variant.
Coding change: c.1156G>A on transcript NM_001379200.1 (MANE Select); coding-DNA position 1156, G replaced by A.
Protein change: p.Gly386Ser; replaces glycine 386 with serine.
Molecular consequence: missense variant. On other transcripts: intron variant (2).
Genome position (GRCh38, 1-based): chr22:19,766,508, G>A. VCF-style: chr22-19766508-G-A. GRCh37 (hg19) VCF-style: chr22-19754031-G-A.
Other names: c.1129G>A, p.Gly377Ser (NM_080647.1); c.1009+506G>A (NM_005992.1, NM_080646.2); short protein forms G377S, G386S.
Identifiers: ClinVar variation 4798183 (VCV004798183.1).

ClinVar aggregate classification (germline): Uncertain significance (1 of 4 stars; one submission).

Conditions:
DiGeorge syndrome. Also called: THIRD AND FOURTH PHARYNGEAL POUCH SYNDROME; Catch22. Identifiers: Orphanet 567, MedGen C0012236, MONDO:0008564, OMIM 188400.

gnomAD v4.1: 4 of 1,303,958 alleles (0.00031%); highest among the groups gnomAD compares: Non-Finnish European, 0.00039%; no homozygotes.

Submission:

Labcorp Genetics (formerly Invitae), Labcorp
Classification: Uncertain significance for DiGeorge syndrome. Last evaluated: 2025-11-11. Review status: criteria provided, single submitter. Criteria: Invitae Variant Classification Sherloc (09022015). Collection method: clinical testing. Allele origin: germline.
Comment: This sequence change replaces glycine, which is neutral and non-polar, with serine, which is neutral and polar, at codon 377 of the TBX1 protein (p.Gly377Ser). This variant is not present in population databases (gnomAD no frequency). This variant has not been reported in the literature in individuals affected with TBX1-related conditions. An algorithm developed to predict the effect of missense changes on protein structure and function outputs the following: PolyPhen-2: "Possibly Damaging". The serine amino acid residue is found in multiple mammalian species, which suggests that this missense change does not adversely affect protein function. In summary, the available evidence is currently insufficient to determine the role of this variant in disease. Therefore, it has been classified as a Variant of Uncertain Significance.